The following is an entry in ClinVar:

NM_000092.5(COL4A4):c.2057-3T>G

Gene: COL4A4 (collagen type IV alpha 4 chain; minus strand). Cytogenetic location: 2q36.3.
Variant type: single nucleotide variant.
Coding change: c.2057-3T>G on transcript NM_000092.5 (MANE Select); 3 bases into the intron before coding-DNA position 2057, T replaced by G.
Molecular consequence: intron variant.
Genome position (GRCh38, 1-based): chr2:227,060,246, A>C on the plus strand (T>G on the coding strand, the complement: COL4A4 is on the minus strand). VCF-style: chr2-227060246-A-C. GRCh37 (hg19) VCF-style: chr2-227924962-A-C.
Identifiers: ClinVar variation 3773781 (VCV003773781.1).

ClinVar aggregate classification (germline): Uncertain significance (1 of 4 stars; one submission).

Conditions:
Alport syndrome. Also called: Hemorrhagic familial nephritis; Hemorrhagic hereditary nephritis; Congenital hereditary hematuria. Identifiers: Orphanet 63, MedGen C1567741, MONDO:0018965.

gnomAD v4.1: 1 of 1,600,150 alleles (0.000062%); highest among the groups gnomAD compares: Non-Finnish European, 0.000086%; no homozygotes.

Submission:

Molecular Genetics, Royal Melbourne Hospital
Classification: Uncertain significance for Alport syndrome. Last evaluated: 2024-08-05. Review status: criteria provided, single submitter. Criteria: ACMG Guidelines, 2015. Collection method: clinical testing. Allele origin: germline. Inheritance: Semidominant inheritance. Affected: yes.
Comment: This sequence change in COL4A4 is an intronic variant located in intron 26. The highest population minor allele frequency in the population database gnomAD v4.1 is 0.00009% (1/1,168,060 alleles) in the European (non-Finnish) population. To our knowledge, this variant has not been previously reported in the relevant scientific literature or databases. This variant has been detected in one individual with a clinical diagnosis of Alport Syndrome (Royal Melbourne Hospital). The results from an in silico splicing predictor (SpliceAI) indicate that this variant may impact splicing by disrupting the acceptor splice site of intron 26 resulting in in-frame exon 27 skipping. RNA studies have not been conducted to confirm this prediction. Based on the classification scheme RMH Modified ACMG/AMP Guidelines v1.7.0, this variant is classified as a VARIANT OF UNCERTAIN SIGNIFICANCE. Following criteria are met: PM2_Supporting, PP3, PS4_Supporting